The following is an entry in ClinVar:

ClinVar aggregate classification (germline): Uncertain significance. Review status: criteria provided, multiple submitters, no conflicts (2 of 4 stars). 4 submissions from 4 submitters: Uncertain significance (4). Last evaluated 2025-05-12.

Conditions:
Hereditary cancer-predisposing syndrome. Also called: Neoplastic Syndromes, Hereditary; Tumor predisposition; Hereditary Cancer Syndrome; Hereditary neoplastic syndrome. Identifiers: Orphanet 140162, MedGen C0027672, MeSH D009386, MONDO:0015356.
BAP1-related tumor predisposition syndrome (TPDS1). Also called: Tumor susceptibility linked to germline BAP1 mutations; COMMON Syndrome; TUMOR PREDISPOSITION SYNDROME 1; BAP1 tumor predisposition syndrome. Identifiers: Orphanet 289539, MedGen C3280492, MONDO:0013692, OMIM 614327.

Submissions (4):

Color Diagnostics, LLC DBA Color Health
Classification: Uncertain significance for Hereditary cancer-predisposing syndrome. Last evaluated: 2025-05-12. Review status: criteria provided, single submitter. Criteria: ACMG Guidelines, 2015. Collection method: clinical testing. Allele origin: germline.
Comment: This missense variant replaces histidine with arginine at codon 274 of the BAP1 protein. Computational prediction suggests that this variant may not impact protein structure and function. To our knowledge, functional studies have not been reported for this variant. This variant has not been reported in individuals affected with BAP1-related disorders in the literature. This variant has not been identified in the general population by the Genome Aggregation Database (gnomAD). The available evidence is insufficient to determine the role of this variant in disease conclusively. Therefore, this variant is classified as a Variant of Uncertain Significance.

Labcorp Genetics (formerly Invitae), Labcorp
Classification: Uncertain significance for BAP1-related tumor predisposition syndrome. Last evaluated: 2025-03-19. Review status: criteria provided, single submitter. Criteria: Invitae Variant Classification Sherloc (09022015). Collection method: clinical testing. Allele origin: germline.
Comment: This sequence change replaces histidine, which is basic and polar, with arginine, which is basic and polar, at codon 274 of the BAP1 protein (p.His274Arg). This variant is not present in population databases (gnomAD no frequency). This variant has not been reported in the literature in individuals affected with BAP1-related conditions. ClinVar contains an entry for this variant (Variation ID: 1762497). Invitae Evidence Modeling of protein sequence and biophysical properties (such as structural, functional, and spatial information, amino acid conservation, physicochemical variation, residue mobility, and thermodynamic stability) indicates that this missense variant is not expected to disrupt BAP1 protein function with a negative predictive value of 80%. In summary, the available evidence is currently insufficient to determine the role of this variant in disease. Therefore, it has been classified as a Variant of Uncertain Significance.

Clinical Genetics Laboratory, Skane University Hospital Lund
Classification: Uncertain significance. Last evaluated: 2022-05-27. Review status: criteria provided, single submitter. Criteria: ACMG Guidelines, 2015. Collection method: clinical testing. Allele origin: germline. Affected: yes.

Ambry Genetics
Classification: Uncertain significance for Hereditary cancer-predisposing syndrome. Last evaluated: 2022-04-05. Review status: criteria provided, single submitter. Criteria: Ambry Variant Classification Scheme 2023. Collection method: clinical testing. Allele origin: germline.
Comment: The p.H274R variant (also known as c.821A>G), located in coding exon 10 of the BAP1 gene, results from an A to G substitution at nucleotide position 821. The histidine at codon 274 is replaced by arginine, an amino acid with highly similar properties. This amino acid position is conserved. In addition, this alteration is predicted to be tolerated by in silico analysis. Since supporting evidence is limited at this time, the clinical significance of this alteration remains unclear.

NM_004656.4(BAP1):c.821A>G (p.His274Arg)

Gene: BAP1 (BRCA1 associated deubiquitinase 1; minus strand). Cytogenetic location: 3p21.1.
Variant type: single nucleotide variant.
Coding change: c.821A>G on transcript NM_004656.4 (MANE Select); coding-DNA position 821, A replaced by G.
Protein change: p.His274Arg; replaces histidine 274 with arginine.
Molecular consequence: missense variant.
Genome position (GRCh38, 1-based): chr3:52,405,875, T>C on the plus strand (A>G on the coding strand, the complement: BAP1 is on the minus strand). VCF-style: chr3-52405875-T-C. GRCh37 (hg19) VCF-style: chr3-52439891-T-C.
Other names: c.767A>G, p.His256Arg (NM_001410772.1); c.821A>G (NM_004656.3); short protein forms H256R, H274R.
Identifiers: ClinVar variation 1762497 (VCV001762497.4), dbSNP rs565400314, ClinGen allele CA353106864.